The following continues an entry in ClinVar:

NM_017780.4(CHD7):c.1480C>T (p.Arg494Ter)

Gene: CHD7. ClinVar aggregate classification (germline): Pathogenic. Pathogenic (19).

Submissions 15 to 21 of 21:

ARUP Laboratories, Molecular Genetics and Genomics, ARUP Laboratories
Classification: Pathogenic. Last evaluated: 2017-08-01. Review status: criteria provided, single submitter. Criteria: ARUP Molecular Germline Variant Investigation Process. Collection method: clinical testing. Allele origin: germline.
Comment: The CHD7 c.1480C>T; p.Arg494Ter variant (rs587783429) induces an early termination codon and is predicted to result in a truncated protein or absent transcript. This variant has previously been reported in individuals with CHARGE syndrome (Lalani 2006, see ClinVar link), and is absent from general population databases (Exome Variant Server, Genome Aggregation Database). Therefore, this variant is considered pathogenic. REFERENCES Link to ClinVar database for p.Arg494Ter: Lalani SR et al. Spectrum of CHD7 mutations in 110 individuals with CHARGE syndrome and genotype-phenotype correlation. Am J Hum Genet. 2006 Feb;78(2):303-14.

Genomic Diagnostic Laboratory, Division of Genomic Diagnostics, Children's Hospital of Philadelphia
Classification: Pathogenic for CHARGE syndrome. Last evaluated: 2016-09-05. Review status: criteria provided, single submitter. Criteria: DGD Variant Analysis Guidelines. Collection method: clinical testing. Allele origin: germline. Affected: yes. Observed: 1 variant allele.
Comment: Clinical Testing

Genetic Services Laboratory, University of Chicago
Classification: Pathogenic for CHARGE syndrome. Last evaluated: 2013-02-08. Review status: criteria provided, single submitter. Criteria: ACMG Guidelines, 2007. Collection method: clinical testing. Allele origin: germline. Inheritance: Autosomal dominant inheritance. Affected: yes.

Juno Genomics, Hangzhou Juno Genomics, Inc
Classification: Pathogenic for CHD7-related CHARGE syndrome; Hypogonadotropic hypogonadism 5 with or without anosmia. Review status: criteria provided, single submitter. Criteria: ACMG Guidelines, 2015. Collection method: clinical testing. Allele origin: germline. Affected: yes.
Comment: Null variant in a gene where loss of function (LOF) is a known mechanism of disease.;Absent from controls (or at extremely low frequency if recessive) in Genome Aggregation Database, Exome Sequencing Project, 1000 Genomes Project, or Exome Aggregation Consortium.;The prevalence of the variant in affected individuals is significantly increased compared to the prevalence in controls.;Assumed de novo, but without confirmation of paternity and maternity.

Neuberg Centre For Genomic Medicine, NCGM
Classification: Pathogenic for CHD7-related CHARGE syndrome. Review status: criteria provided, single submitter. Criteria: ACMG Guidelines, 2015. Collection method: clinical testing. Allele origin: germline. Affected: yes.
Comment: The stop gained p.R494* in CHD7 (NM_017780.4) has been reported previously reported in affected patients (Janssen N et al; Lalani SR et al). The variant has been submitted to ClinVar as Pathogenic. The p.R494* variant is novel (not in any individuals) in gnomAD Exomes and is novel (not in any individuals) in 1000 Genomes. This variant is predicted to cause loss of normal protein function through protein truncation. Loss of function mutations have been previously described to be disease causing. For these reasons, this variant has been classified as Pathogenic.

Joint Genome Diagnostic Labs from Nijmegen and Maastricht, Radboudumc and MUMC+
Classification: Pathogenic. Review status: no assertion criteria provided. Collection method: clinical testing. Allele origin: germline. Affected: yes. Study: VKGL Data-share Consensus. Not counted in ClinVar's aggregate classification.

Laboratory of Diagnostic Genome Analysis, Leiden University Medical Center (LUMC)
Classification: Pathogenic. Review status: no assertion criteria provided. Collection method: clinical testing. Allele origin: germline. Affected: yes. Study: VKGL Data-share Consensus. Not counted in ClinVar's aggregate classification.

Literature cited by the submitters: PubMed 16400610 (cited by 5 submitters); PubMed 23024289 (cited by Dasa and Labcorp Genetics (formerly Invitae), Labcorp); PubMed 21158681 (cited by 3 submitters); PubMed 24368733 (cited by Dasa and Labcorp Genetics (formerly Invitae), Labcorp); PubMed 28832562 (cited by Dasa and Labcorp Genetics (formerly Invitae), Labcorp); PubMed 29453417 (cited by Division of Genetic & Genomic Pathology, Hong Kong Children's Hospital); PubMed 36830778 (cited by Division of Genetic & Genomic Pathology, Hong Kong Children's Hospital); PubMed 22461308 (cited by Labcorp Genetics (formerly Invitae), Labcorp); PubMed 25077900 (cited by Labcorp Genetics (formerly Invitae), Labcorp); PubMed 36135330 (cited by Daryl Scott Lab, Baylor College of Medicine).